The following is an entry in ClinVar:

NM_007294.4(BRCA1):c.2680A>C (p.Lys894Gln)

Gene: BRCA1 (BRCA1 DNA repair associated; minus strand). Cytogenetic location: 17q21.31.
Variant type: single nucleotide variant.
Coding change: c.2680A>C on transcript NM_007294.4 (MANE Select); coding-DNA position 2680, A replaced by C.
Protein change: p.Lys894Gln; replaces lysine 894 with glutamine.
Molecular consequence: missense variant. On other transcripts: intron variant (137).
Genome position (GRCh38, 1-based): chr17:43,092,851, T>G on the plus strand (A>C on the coding strand, the complement: BRCA1 is on the minus strand). VCF-style: chr17-43092851-T-G. GRCh37 (hg19) VCF-style: chr17-41244868-T-G.
Other names: c.2602A>C, p.Lys868Gln (NM_001407663.1, NM_001407653.1, NM_001407654.1 and 4 more transcripts); c.2557A>C, p.Lys853Gln (NM_001407664.1, NM_001407665.1, NM_001407666.1 and 19 more transcripts); c.2554A>C, p.Lys852Gln (NM_001407670.1, NM_001407671.1, NM_001407672.1 and 11 more transcripts); c.2680A>C, p.Lys894Gln (NM_001407684.1, NM_001407854.1, NM_001407858.1 and 30 more transcripts); c.2539A>C, p.Lys847Gln (NM_001407692.1, NM_001407694.1, NM_001407695.1 and 29 more transcripts); c.2536A>C, p.Lys846Gln (NM_001407740.1, NM_001407741.1, NM_001407742.1 and 20 more transcripts); c.2467A>C, p.Lys823Gln (NM_001407853.1, NM_001407894.1, NM_001407895.1 and 9 more transcripts); c.2677A>C, p.Lys893Gln (NM_001407860.1, NM_001407861.1, NM_001407587.1 and 22 more transcripts); and 41 more; short protein forms K598Q, K783Q, K827Q, K847Q, K891Q, K726Q, K806Q, K823Q.
Identifiers: ClinVar variation 4739110 (VCV004739110.1).

ClinVar aggregate classification (germline): Uncertain significance (1 of 4 stars; one submission).

Conditions:
Hereditary breast ovarian cancer syndrome. Also called: Breast and ovarian cancer; Hereditary breast and/or ovarian cancer syndrome; Hereditary breast and ovarian cancer; Hereditary breast and ovarian cancer syndrome; Hereditary breast and ovarian cancer syndrome (HBOC); BRCA1- and BRCA2-Associated Hereditary Breast and Ovarian Cancer. Identifiers: Orphanet 145, MedGen C0677776, MeSH D061325, MONDO:0003582. Disease mechanism: loss of function.

Submission:

Labcorp Genetics (formerly Invitae), Labcorp
Classification: Uncertain significance for Hereditary breast ovarian cancer syndrome. Last evaluated: 2025-04-23. Review status: criteria provided, single submitter. Criteria: Invitae Variant Classification Sherloc (09022015). Collection method: clinical testing. Allele origin: germline.
Comment: This sequence change replaces lysine, which is basic and polar, with glutamine, which is neutral and polar, at codon 894 of the BRCA1 protein (p.Lys894Gln). This variant is not present in population databases (gnomAD no frequency). This variant has not been reported in the literature in individuals affected with BRCA1-related conditions. Invitae Evidence Modeling of protein sequence and biophysical properties (such as structural, functional, and spatial information, amino acid conservation, physicochemical variation, residue mobility, and thermodynamic stability) indicates that this missense variant is not expected to disrupt BRCA1 protein function with a negative predictive value of 80%. In summary, the available evidence is currently insufficient to determine the role of this variant in disease. Therefore, it has been classified as a Variant of Uncertain Significance.